The following is an entry in ClinVar:

NM_176824.3(BBS7):c.683G>A (p.Arg228His)

Gene: BBS7 (Bardet-Biedl syndrome 7; minus strand). Cytogenetic location: 4q27.
Variant type: single nucleotide variant.
Coding change: c.683G>A on transcript NM_176824.3 (MANE Select); coding-DNA position 683, G replaced by A.
Protein change: p.Arg228His; replaces arginine 228 with histidine.
Molecular consequence: missense variant.
Genome position (GRCh38, 1-based): chr4:121,854,739, C>T on the plus strand (G>A on the coding strand, the complement: BBS7 is on the minus strand). VCF-style: chr4-121854739-C-T. GRCh37 (hg19) VCF-style: chr4-122775894-C-T.
Other names: c.683G>A, p.Arg228His (NM_018190.4); short protein forms R228H.
Identifiers: ClinVar variation 531821 (VCV000531821.11), dbSNP rs369866009, ClinGen allele CA3064434.

ClinVar aggregate classification (germline): Uncertain significance. Review status: criteria provided, multiple submitters, no conflicts (2 of 4 stars). 4 submissions from 4 submitters: Uncertain significance (4). Last evaluated 2025-11-30.

Conditions:
Bardet-Biedl syndrome (BBS). Identifiers: Orphanet 110, MedGen C0752166, MONDO:0015229.
BBS7-related disorder. Also called: BBS7-related condition.
Bardet-Biedl syndrome 7 (BBS7). Identifiers: Orphanet 110, MedGen C1859565, MONDO:0014435, OMIM 615984.

Allele frequency attached by ClinVar (database versions not stated): TOPMed 0.00004; gnomAD 0.00006; ESP Exome Variant Server 0.00008.
gnomAD v4.1: 64 of 1,612,050 alleles (0.004%); highest among the groups gnomAD compares: Non-Finnish European, 0.005%; no homozygotes.

Submissions (4):

PreventionGenetics, part of Exact Sciences
Classification: Uncertain significance for BBS7-related condition. Last evaluated: 2025-11-30. Review status: criteria provided, single submitter. Criteria: ACMG Guidelines, 2015. Collection method: clinical testing. Allele origin: germline.
Comment: The BBS7 c.683G>A variant is predicted to result in the amino acid substitution p.Arg228His. To our knowledge, this variant has not been reported in the literature. This variant is reported in 0.0062% of alleles in individuals of European (Non-Finnish) descent in gnomAD. At this time, the clinical significance of this variant is uncertain due to the absence of conclusive functional and genetic evidence.

Fulgent Genetics
Classification: Uncertain significance for Bardet-Biedl syndrome 7. Last evaluated: 2024-06-03. Review status: criteria provided, single submitter. Criteria: ACMG Guidelines, 2015. Collection method: clinical testing. Allele origin: germline.

Labcorp Genetics (formerly Invitae), Labcorp
Classification: Uncertain significance for Bardet-Biedl syndrome. Last evaluated: 2022-04-13. Review status: criteria provided, single submitter. Criteria: Invitae Variant Classification Sherloc (09022015). Collection method: clinical testing. Allele origin: germline.
Comment: This sequence change replaces arginine, which is basic and polar, with histidine, which is basic and polar, at codon 228 of the BBS7 protein (p.Arg228His). This variant is present in population databases (rs369866009, gnomAD 0.007%). This variant has not been reported in the literature in individuals affected with BBS7-related conditions. ClinVar contains an entry for this variant (Variation ID: 531821). Algorithms developed to predict the effect of missense changes on protein structure and function output the following: SIFT: "Tolerated"; PolyPhen-2: "Benign"; Align-GVGD: "Class C0". The histidine amino acid residue is found in multiple mammalian species, which suggests that this missense change does not adversely affect protein function. In summary, the available evidence is currently insufficient to determine the role of this variant in disease. Therefore, it has been classified as a Variant of Uncertain Significance.

Genetic Services Laboratory, University of Chicago
Classification: Uncertain significance. Last evaluated: 2017-08-08. Review status: criteria provided, single submitter. Criteria: ACMG Guidelines, 2015. Collection method: clinical testing. Allele origin: germline. Affected: no.